The following is an entry in ClinVar:

NM_002295.6(RPSA):c.190G>A (p.Ala64Thr)

Gene: RPSA (ribosomal protein SA; plus strand). Cytogenetic location: 3p22.1.
Variant type: single nucleotide variant.
Coding change: c.190G>A on transcript NM_002295.6 (MANE Select); coding-DNA position 190, G replaced by A.
Protein change: p.Ala64Thr; replaces alanine 64 with threonine.
Molecular consequence: missense variant.
Genome position (GRCh38, 1-based): chr3:39,408,662, G>A. VCF-style: chr3-39408662-G-A. GRCh37 (hg19) VCF-style: chr3-39450153-G-A.
Other names: c.190G>A, p.Ala64Thr (NM_001012321.1, NM_001304288.2); short protein forms A64T.
Identifiers: ClinVar variation 2784460 (VCV002784460.3), dbSNP rs2470579409, ClinGen allele CA352211520.

ClinVar aggregate classification (germline): Uncertain significance (1 of 4 stars; one submission).

Allele frequency attached by ClinVar (database versions not stated): gnomAD exomes below 0.00001.
gnomAD v4.1: 2 of 1,613,734 alleles (0.00012%); highest among the groups gnomAD compares: Non-Finnish European, 0.00017%; no homozygotes.

Submission:

Labcorp Genetics (formerly Invitae), Labcorp
Classification: Uncertain significance. Last evaluated: 2023-04-06. Review status: criteria provided, single submitter. Criteria: Invitae Variant Classification Sherloc (09022015). Collection method: clinical testing. Allele origin: germline.
Comment: This variant is not present in population databases (gnomAD no frequency). This variant has not been reported in the literature in individuals affected with RPSA-related conditions. Advanced modeling of protein sequence and biophysical properties (such as structural, functional, and spatial information, amino acid conservation, physicochemical variation, residue mobility, and thermodynamic stability) performed at Invitae indicates that this missense variant is not expected to disrupt RPSA protein function. In summary, the available evidence is currently insufficient to determine the role of this variant in disease. Therefore, it has been classified as a Variant of Uncertain Significance. This sequence change replaces alanine, which is neutral and non-polar, with threonine, which is neutral and polar, at codon 64 of the RPSA protein (p.Ala64Thr).